The following is an entry in ClinVar:

ClinVar aggregate classification (germline): Uncertain significance. Review status: criteria provided, multiple submitters, no conflicts (2 of 4 stars). 2 submissions from 2 submitters: Uncertain significance (2). Last evaluated 2025-09-24.

Conditions:
Autosomal dominant nonsyndromic hearing loss 17. Also called: Deafness, autosomal dominant 17; Autosomal dominant nonsyndromic deafness 17. Identifiers: Orphanet 90635, MedGen C1863659, MONDO:0011350, OMIM 603622.

Submissions (2):

Labcorp Genetics (formerly Invitae), Labcorp
Classification: Uncertain significance. Last evaluated: 2025-09-24. Review status: criteria provided, single submitter. Criteria: Invitae Variant Classification Sherloc (09022015). Collection method: clinical testing. Allele origin: germline.
Comment: This variant, c.4753_4755del, results in the deletion of 1 amino acid(s) of the MYH9 protein (p.Lys1585del), but otherwise preserves the integrity of the reading frame. This variant is present in population databases (rs770925540, gnomAD 0.0009%). This variant has not been reported in the literature in individuals affected with MYH9-related conditions. ClinVar contains an entry for this variant (Variation ID: 523083). Experimental studies and prediction algorithms are not available or were not evaluated, and the functional significance of this variant is currently unknown. In summary, the available evidence is currently insufficient to determine the role of this variant in disease. Therefore, it has been classified as a Variant of Uncertain Significance.

Genomic Research Center, Shahid Beheshti University of Medical Sciences
Classification: Uncertain significance for Autosomal dominant nonsyndromic hearing loss 17. Last evaluated: 2017-12-18. Review status: criteria provided, single submitter. Criteria: ACMG Guidelines, 2015. Collection method: clinical testing. Allele origin: inherited. Affected: yes.

NM_002473.6(MYH9):c.4747AAG[2] (p.Lys1585del)

Gene: MYH9 (myosin heavy chain 9; minus strand). Cytogenetic location: 22q12.3.
Variant type: Microsatellite.
Coding change: c.4747AAG[2] on transcript NM_002473.6 (MANE Select); two copies in a row of the 3-base unit AAG starting at c.4747; the reference has three copies in a row; one copy, 3 bases deleted; also written c.4753_4755del.
Protein change: p.Lys1585del; deletes lysine 1585.
Molecular consequence: inframe deletion.
Genome position (GRCh38, 1-based): chr22:36,288,742-36,288,744, CTT deleted on the plus strand (AAG on the coding strand, the reverse complement: MYH9 is on the minus strand); deleting any 3 consecutive bases within chr22:36,288,742-36,288,752 gives the same sequence; the position shown is the placement nearest the transcript's 3' end. VCF-style (leftmost placement, unchanged base first): chr22-36288741-GCTT-G. GRCh37 (hg19) VCF-style: chr22-36684787-GCTT-G.
Other names: c.4753_4755del (NM_002473.5); short protein forms K1585del.
Identifiers: ClinVar variation 523083 (VCV000523083.7), dbSNP rs770925540, ClinGen allele CA10209303.